The following is an entry in ClinVar:

ClinVar aggregate classification (germline): Uncertain significance (1 of 4 stars; one submission).

Conditions:
Cholestasis, progressive familial intrahepatic, 8. Identifiers: MedGen C5562045, MONDO:0030505, OMIM 619662.

gnomAD v4.1: 4 of 1,609,806 alleles (0.00025%); highest among the groups gnomAD compares: African/African-American, 0.0013%; no homozygotes.

Submission:

3billion
Classification: Uncertain significance for Cholestasis, progressive familial intrahepatic, 8. Last evaluated: 2024-09-09. Review status: criteria provided, single submitter. Criteria: ACMG Guidelines, 2015. Collection method: clinical testing. Allele origin: germline. Affected: yes.
Comment: The variant is observed at an extremely low frequency in the gnomAD v4.0.0 dataset (total allele frequency: <0.001%). Predicted Consequence/Location: Missense variant In silico tool predictions suggest damaging effect of the variant on gene or gene product [REVEL: 0.81 (>=0.6, sensitivity 0.68 and specificity 0.92)]. Therefore, this variant is classified as VUS according to the recommendation of ACMG/AMP guideline.

NM_001388308.1(KIF12):c.1075G>A (p.Ala359Thr)

Gene: KIF12 (kinesin family member 12; minus strand). Cytogenetic location: 9q32.
Variant type: single nucleotide variant.
Coding change: c.1075G>A on transcript NM_001388308.1 (MANE Select); coding-DNA position 1075, G replaced by A.
Protein change: p.Ala359Thr; replaces alanine 359 with threonine.
Molecular consequence: missense variant.
Genome position (GRCh38, 1-based): chr9:114,095,067, C>T on the plus strand (G>A on the coding strand, the complement: KIF12 is on the minus strand). VCF-style: chr9-114095067-C-T. GRCh37 (hg19) VCF-style: chr9-116857347-C-T.
Other names: c.661G>A, p.Ala221Thr (NM_138424.2); short protein forms A221T, A359T.
Identifiers: ClinVar variation 4293418 (VCV004293418.1).
Genomic context (GRCh38, chr9:114,095,067, plus strand): 5'-GCCTGCCTATACTCACCTTGGGGGCCTGTGGTCGGGTGGTGACCCGCTGAGCTCGGCTTG[C>T]ATATCGCAGGGTGCTGAGAGTCTCAGGAAGGCACTGGGCTGAGGGGGACACGCAGGCCAC-3'
Protein context (NP_001375237.1, residues 349-369): LPETLSTLRY[Ala359Thr]SRAQRVTTRP